The following is an entry in ClinVar:

ClinVar aggregate classification (germline): Conflicting classifications of pathogenicity. Review status: criteria provided, conflicting classifications (1 of 4 stars). 3 submissions from 3 submitters: Uncertain significance (2); Likely benign (1). Last evaluated 2025-05-11.

Conditions:
Hereditary cancer-predisposing syndrome. Also called: Neoplastic Syndromes, Hereditary; Hereditary Cancer Syndrome; Hereditary neoplastic syndrome; Tumor predisposition. Identifiers: Orphanet 140162, MedGen C0027672, MeSH D009386, MONDO:0015356.
Hereditary breast ovarian cancer syndrome. Also called: Hereditary breast and ovarian cancer syndrome (HBOC); Hereditary breast and ovarian cancer syndrome; Breast and ovarian cancer; Hereditary breast and/or ovarian cancer syndrome; Hereditary breast and ovarian cancer; BRCA1- and BRCA2-Associated Hereditary Breast and Ovarian Cancer. Identifiers: Orphanet 145, MedGen C0677776, MeSH D061325, MONDO:0003582. Disease mechanism: loss of function.

Submissions (3):

Ambry Genetics
Classification: Uncertain significance for Hereditary cancer-predisposing syndrome. Last evaluated: 2025-05-11. Review status: criteria provided, single submitter. Criteria: Ambry Variant Classification Scheme 2023. Collection method: clinical testing. Allele origin: germline.
Comment: The p.K2104Q variant (also known as c.6310A>C), located in coding exon 10 of the BRCA2 gene, results from an A to C substitution at nucleotide position 6310. The lysine at codon 2104 is replaced by glutamine, an amino acid with similar properties. This amino acid position is not well conserved in available vertebrate species. In addition, this alteration is predicted to be tolerated by in silico analysis. Since supporting evidence is limited at this time, the clinical significance of this alteration remains unclear.

University of Washington Department of Laboratory Medicine, University of Washington
Classification: Likely benign for Hereditary cancer-predisposing syndrome. Last evaluated: 2023-03-23. Review status: criteria provided, single submitter. Criteria: Dines et al. (Genet Med. 2020). Collection method: curation. Allele origin: germline.
Comment: Missense variant in a coldspot region where missense variants are very unlikely to be pathogenic (PMID:31911673).

BRCA2 exon 11 coldspot. Reclassification based on statistical prior probability.

Labcorp Genetics (formerly Invitae), Labcorp
Classification: Uncertain significance for Hereditary breast ovarian cancer syndrome. Last evaluated: 2017-07-19. Review status: criteria provided, single submitter. Criteria: Invitae Variant Classification Sherloc (09022015). Collection method: clinical testing. Allele origin: germline.
Comment: In summary, the available evidence is currently insufficient to determine the role of this variant in disease. Therefore, it has been classified as a Variant of Uncertain Significance. Algorithms developed to predict the effect of missense changes on protein structure and function output the following: SIFT: "Tolerated"; PolyPhen-2: "Benign"; Align-GVGD: "Class C0". The glutamine amino acid residue is found in multiple mammalian species, suggesting that this missense change does not adversely affect protein function. These predictions have not been confirmed by published functional studies and their clinical significance is uncertain. This variant has not been reported in the literature in individuals with BRCA2-related disease. This variant is not present in population databases (ExAC no frequency). This sequence change replaces lysine with glutamine at codon 2104 of the BRCA2 protein (p.Lys2104Gln). The lysine residue is weakly conserved and there is a small physicochemical difference between lysine and glutamine.

NM_000059.4(BRCA2):c.6310A>C (p.Lys2104Gln)

Gene: BRCA2 (BRCA2 DNA repair associated; plus strand). Cytogenetic location: 13q13.1.
Variant type: single nucleotide variant.
Coding change: c.6310A>C on transcript NM_000059.4 (MANE Select); coding-DNA position 6310, A replaced by C.
Protein change: p.Lys2104Gln; replaces lysine 2104 with glutamine.
Molecular consequence: missense variant.
Genome position (GRCh38, 1-based): chr13:32,340,665, A>C. VCF-style: chr13-32340665-A-C. GRCh37 (hg19) VCF-style: chr13-32914802-A-C.
Other names: short protein forms K2104Q.
Identifiers: ClinVar variation 462405 (VCV000462405.13), dbSNP rs1555284629, ClinGen allele CA387789045.